The following is an entry in ClinVar:

ClinVar aggregate classification (germline): Pathogenic (1 of 4 stars; one submission).

Conditions:
PKD1-Biallelic Autosomal Recessive Polycystic Kidney Disease.

Submission:

Women's Health and Genetics/Laboratory Corporation of America, LabCorp
Classification: Pathogenic for PKD1-Biallelic Autosomal Recessive Polycystic Kidney Disease. Last evaluated: 2025-09-02. Review status: criteria provided, single submitter. Criteria: LabCorp Variant Classification Summary - May 2015. Collection method: clinical testing. Allele origin: germline.
Comment: Variant summary: PKD1 c.12179_12201dup23 (p.Gly4068ArgfsX138) results in a premature termination codon, predicted to cause a truncation of the encoded protein without causing nonsense mediated decay. The variant was absent in 240804 control chromosomes. To our knowledge, no occurrence of c.12179_12201dup23 in individuals affected with PKD1-related conditions and no experimental evidence demonstrating its impact on protein function have been reported. A downstream variant c.12448C>T (p.Arg4150Cys) has been classified as Pathogenic by our laboratory, suggesting that loss of this region of the protein is deleterious. No submitters have cited clinical-significance assessments for this variant to ClinVar. Based on the evidence outlined above, the variant was classified as pathogenic.

NM_001009944.3(PKD1):c.12179_12201dup (p.Gly4068fs)

Gene: PKD1 (polycystin 1, transient receptor potential channel interacting; minus strand). Cytogenetic location: 16p13.3.
Variant type: Duplication.
Coding change: c.12179_12201dup on transcript NM_001009944.3 (MANE Select); coding-DNA positions 12179 to 12201, 23 bases duplicated (AGGCCCTGTTGGTGCTGTGCCCT).
Protein change: p.Gly4068fs; shifts the reading frame from glycine 4068.
Molecular consequence: frameshift variant.
Genome position (GRCh38, 1-based): chr16:2,090,528-2,090,550, AGGGCACAGCACCAACAGGGCCT duplicated on the plus strand (AGGCCCTGTTGGTGCTGTGCCCT on the coding strand, the reverse complement: PKD1 is on the minus strand). VCF-style (leftmost placement, unchanged base first): chr16-2090527-C-CAGGGCACAGCACCAACAGGGCCT. GRCh37 (hg19) VCF-style: chr16-2140528-C-CAGGGCACAGCACCAACAGGGCCT.
Other names: c.12176_12198dup, p.Gly4067fs (NM_000296.4); c.12179_12201dup23 (NM_001009944.3); short protein forms G4067fs, G4068fs.
Identifiers: ClinVar variation 4535921 (VCV004535921.1).